The following is an entry in ClinVar:

ClinVar aggregate classification (germline): Uncertain significance. Review status: criteria provided, multiple submitters, no conflicts (2 of 4 stars). 2 submissions from 2 submitters: Uncertain significance (2). Last evaluated 2023-09-05.

Conditions:
Neuroblastoma, susceptibility to, 3. Also called: ALK-Related Neuroblastic Tumor Susceptibility. Identifiers: Orphanet 635, MedGen C2751681, MONDO:0013083, OMIM 613014.
Hereditary cancer-predisposing syndrome. Also called: Tumor predisposition; Hereditary Cancer Syndrome; Hereditary neoplastic syndrome; Neoplastic Syndromes, Hereditary. Identifiers: Orphanet 140162, MedGen C0027672, MeSH D009386, MONDO:0015356.

Allele frequency attached by ClinVar (database versions not stated): gnomAD exomes 0.00001; ExAC 0.00007.
gnomAD v4.1: 8 of 1,551,062 alleles (0.00052%); highest among the groups gnomAD compares: South Asian, 0.0059%; no homozygotes.

Submissions (2):

Ambry Genetics
Classification: Uncertain significance for Hereditary cancer-predisposing syndrome. Last evaluated: 2023-09-05. Review status: criteria provided, single submitter. Criteria: Ambry Variant Classification Scheme 2023. Collection method: clinical testing. Allele origin: germline.
Comment: The p.A105V variant (also known as c.314C>T), located in coding exon 1 of the ALK gene, results from a C to T substitution at nucleotide position 314. The alanine at codon 105 is replaced by valine, an amino acid with similar properties. This amino acid position is conserved. In addition, this alteration is predicted to be tolerated by in silico analysis. Since supporting evidence is limited at this time, the clinical significance of this alteration remains unclear.

Labcorp Genetics (formerly Invitae), Labcorp
Classification: Uncertain significance for Neuroblastoma, susceptibility to, 3. Last evaluated: 2022-09-18. Review status: criteria provided, single submitter. Criteria: Invitae Variant Classification Sherloc (09022015). Collection method: clinical testing. Allele origin: germline.
Comment: Algorithms developed to predict the effect of missense changes on protein structure and function (SIFT, PolyPhen-2, Align-GVGD) all suggest that this variant is likely to be tolerated. This variant has not been reported in the literature in individuals affected with ALK-related conditions. This variant is present in population databases (rs772569032, gnomAD 0.009%). This sequence change replaces alanine, which is neutral and non-polar, with valine, which is neutral and non-polar, at codon 105 of the ALK protein (p.Ala105Val). In summary, the available evidence is currently insufficient to determine the role of this variant in disease. Therefore, it has been classified as a Variant of Uncertain Significance.

NM_004304.5(ALK):c.314C>T (p.Ala105Val)

Gene: ALK (ALK receptor tyrosine kinase; minus strand). Cytogenetic location: 2p23.1.
Variant type: single nucleotide variant.
Coding change: c.314C>T on transcript NM_004304.5 (MANE Select); coding-DNA position 314, C replaced by T.
Protein change: p.Ala105Val; replaces alanine 105 with valine.
Molecular consequence: missense variant.
Genome position (GRCh38, 1-based): chr2:29,920,346, G>A on the plus strand (C>T on the coding strand, the complement: ALK is on the minus strand). VCF-style: chr2-29920346-G-A. GRCh37 (hg19) VCF-style: chr2-30143212-G-A.
Other names: c.314C>T (NM_004304.4); short protein forms A105V.
Identifiers: ClinVar variation 2068417 (VCV002068417.6), dbSNP rs772569032, ClinGen allele CA1595004.